The following is an entry in ClinVar:

NM_001291415.2(KDM6A):c.4121G>A (p.Arg1374Gln)

Gene: KDM6A (lysine demethylase 6A; plus strand). Cytogenetic location: Xp11.3.
Variant type: single nucleotide variant.
Coding change: c.4121G>A on transcript NM_001291415.2 (MANE Select); coding-DNA position 4121, G replaced by A.
Protein change: p.Arg1374Gln; replaces arginine 1374 with glutamine.
Molecular consequence: missense variant. On other transcripts: non-coding transcript variant (1).
Genome position (GRCh38, 1-based): chrX:45,107,496, G>A. VCF-style: chrX-45107496-G-A. GRCh37 (hg19) VCF-style: chrX-44966741-G-A.
Other names: c.3986G>A, p.Arg1329Gln (NM_001291416.2); c.3830G>A, p.Arg1277Gln (NM_001291417.2); c.3728G>A, p.Arg1243Gln (NM_001291418.2); c.3077G>A, p.Arg1026Gln (NM_001291421.2); c.3863G>A, p.Arg1288Gln (NM_001410742.1); c.4229G>A, p.Arg1410Gln (NM_001419809.1); c.4127G>A, p.Arg1376Gln (NM_001419810.1); c.4094G>A, p.Arg1365Gln (NM_001419811.1); and 5 more; short protein forms R1026Q, R1243Q, R1277Q, R1279Q, R1288Q, R1322Q, R1324Q, R1329Q.
Identifiers: ClinVar variation 3360323 (VCV003360323.2).
Genomic context (GRCh38, chrX:45,107,496, plus strand): 5'-AATGTCAGACATTGAGGGAAGCTCTCATTGCTGCAGGAAAAGAGATTATATGGCATGGGC[G>A]GACAAAAGAAGAACCAGCTCATTACTGTAGCATTTGTGAAGTAAGTAATTGTTTTTATCC-3'
Protein context (NP_001278344.1, residues 1364-1384): AAGKEIIWHG[Arg1374Gln]TKEEPAHYCS

ClinVar aggregate classification (germline): Uncertain significance (1 of 4 stars; one submission).

gnomAD v4.1: 4 of 1,209,679 alleles (0.00033%); highest among the groups gnomAD compares: South Asian, 0.0018%; no homozygotes.

Submission:

GeneDx
Classification: Uncertain significance. Last evaluated: 2025-10-20. Review status: criteria provided, single submitter. Criteria: GeneDx Variant Classification Process June 2021. Collection method: clinical testing. Allele origin: germline.
Comment: Not observed at significant frequency in large population cohorts (gnomAD); In silico analysis suggests that this missense variant does not alter protein structure/function; Has not been previously published as pathogenic or benign to our knowledge